The following is an entry in ClinVar:

ClinVar aggregate classification (germline): Conflicting classifications of pathogenicity. Review status: criteria provided, conflicting classifications (1 of 4 stars). 7 submissions from 5 submitters: Uncertain significance (4); Benign (1); Likely benign (2). Last evaluated 2026-01-09.

Conditions:
Hereditary spherocytosis type 3. Also called: SPTA1-Related Spherocytosis; Spherocytosis type 3. Identifiers: Orphanet 822, MedGen C2678338, MONDO:0010053, OMIM 270970.
Elliptocytosis 2 (EL2). Also called: ELLIPTOCYTOSIS, RHESUS-UNLINKED TYPE. Identifiers: Orphanet 288, MedGen C1851741, MONDO:0007533, OMIM 130600.
Pyropoikilocytosis, hereditary. Also called: Pyropoikilocytosis. Identifiers: MedGen C0520739, MONDO:0009948, OMIM 266140, HP:0004839. Disease mechanism: loss of function.

Allele frequency attached by ClinVar (database versions not stated): gnomAD exomes 0.00027 and 0.00062; ExAC 0.00075; ESP Exome Variant Server 0.00190; 1000 Genomes Project 0.00240; gnomAD 0.00243 and 0.00259; 1000 Genomes Project 30x 0.00265; TOPMed 0.00269.
gnomAD v4.1: 779 of 1,614,158 alleles (0.048%); highest among the groups gnomAD compares: African/African-American, 0.88%; 5 homozygotes.

Submissions (7):

Labcorp Genetics (formerly Invitae), Labcorp
Classification: Benign. Last evaluated: 2026-01-09. Review status: criteria provided, single submitter. Criteria: Invitae Variant Classification Sherloc (09022015). Collection method: clinical testing. Allele origin: germline.

CeGaT Center for Human Genetics Tuebingen
Classification: Likely benign. Last evaluated: 2026-01-01. Review status: criteria provided, single submitter. Criteria: CeGaT Center For Human Genetics Tuebingen Variant Classification Criteria Version 2. Collection method: clinical testing. Allele origin: germline. Affected: yes. Observed: 1 variant allele.
Comment: SPTA1: BP4, BS2

Mayo Clinic Laboratories, Mayo Clinic
Classification: Uncertain significance. Last evaluated: 2025-04-07. Review status: criteria provided, single submitter. Criteria: ACMG Guidelines, 2015. Collection method: clinical testing. Allele origin: germline. Observed: 5 variant alleles.
Comment: BP4

ARUP Laboratories, Molecular Genetics and Genomics, ARUP Laboratories
Classification: Uncertain significance. Last evaluated: 2024-09-06. Review status: criteria provided, single submitter. Criteria: ARUP Molecular Germline Variant Investigation Process 2024. Collection method: clinical testing. Allele origin: germline.
Comment: The SPTA1 c.1817A>G; p.Asp606Gly variant (rs149441716), to our knowledge, is not reported in the medical literature but is reported in ClinVar (Variation ID: 293029). This variant is found in the African/African American population with an allele frequency of 0.9% (217/24200 alleles, including 1 homozygote) in the Genome Aggregation Database (v2.1.1). Computational analyses predict that this variant is neutral (REVEL: 0.123). While the high population frequency suggests that this is likely a benign variant, given the lack of clinical and functional data, the significance of this variant is uncertain at this time.

Illumina Laboratory Services, Illumina
Classification: Likely benign for Elliptocytosis 2. Last evaluated: 2018-01-13. Review status: criteria provided, single submitter. Criteria: ICSL Variant Classification Criteria 13 December 2019. Collection method: clinical testing. Allele origin: germline.
Comment: This variant was observed in the ICSL laboratory as part of a predisposition screen in an ostensibly healthy population. It had not been previously curated by ICSL or reported in the Human Gene Mutation Database (HGMD: prior to June 1st, 2018), and was therefore a candidate for classification through an automated scoring system. Utilizing variant allele frequency, disease prevalence and penetrance estimates, and inheritance mode, an automated score was calculated to assess if this variant is too frequent to cause the disease. Based on the score and internal cut-off values, a variant classified as likely benign is not then subjected to further curation. The score for this variant resulted in a classification of likely benign for this disease.

Illumina Laboratory Services, Illumina
Classification: Uncertain significance for Pyropoikilocytosis, hereditary. Last evaluated: 2018-01-13. Review status: criteria provided, single submitter. Criteria: ICSL Variant Classification Criteria 13 December 2019. Collection method: clinical testing. Allele origin: germline.

Illumina Laboratory Services, Illumina
Classification: Uncertain significance for Hereditary spherocytosis type 3. Last evaluated: 2018-01-13. Review status: criteria provided, single submitter. Criteria: ICSL Variant Classification Criteria 13 December 2019. Collection method: clinical testing. Allele origin: germline.

Literature cited by the submitters: PubMed 37558589 (cited by Mayo Clinic Laboratories, Mayo Clinic).

NM_003126.4(SPTA1):c.1817A>G (p.Asp606Gly)

Gene: SPTA1 (spectrin alpha, erythrocytic 1; minus strand). Cytogenetic location: 1q23.1.
Variant type: single nucleotide variant.
Coding change: c.1817A>G on transcript NM_003126.4 (MANE Select); coding-DNA position 1817, A replaced by G.
Protein change: p.Asp606Gly; replaces aspartic acid 606 with glycine.
Molecular consequence: missense variant.
Genome position (GRCh38, 1-based): chr1:158,669,424, T>C on the plus strand (A>G on the coding strand, the complement: SPTA1 is on the minus strand). VCF-style: chr1-158669424-T-C. GRCh37 (hg19) VCF-style: chr1-158639214-T-C.
Other names: short protein forms D606G.
Identifiers: ClinVar variation 293029 (VCV000293029.22), dbSNP rs149441716, ClinGen allele CA1183620.
Genomic context (GRCh38, chr1:158,669,424, plus strand): 5'-GGAACTCCTGATAACTACATCCAGCTCCTGAAAACTCTGCCTACCTTGTAATCTTCATCA[T>C]CTGCCAACTTTTTCTTCTTGTTGATCCAGTTCTTTAGGTCATCTGAGTCCTCATACAGTT-3'
Protein context (NP_003117.2, residues 596-616): NWINKKKKLA[Asp606Gly]DEDYKDIQNL